The following is an entry in ClinVar:

NM_000428.3(LTBP2):c.1804G>A (p.Glu602Lys)

Gene: LTBP2 (latent transforming growth factor beta binding protein 2; minus strand). Cytogenetic location: 14q24.3.
Variant type: single nucleotide variant.
Coding change: c.1804G>A on transcript NM_000428.3 (MANE Select); coding-DNA position 1804, G replaced by A.
Protein change: p.Glu602Lys; replaces glutamic acid 602 with lysine.
Molecular consequence: missense variant.
Genome position (GRCh38, 1-based): chr14:74,535,986, C>T on the plus strand (G>A on the coding strand, the complement: LTBP2 is on the minus strand). VCF-style: chr14-74535986-C-T. GRCh37 (hg19) VCF-style: chr14-75002689-C-T.
Other names: short protein forms E602K.
Identifiers: ClinVar variation 3774593 (VCV003774593.1).
Genomic context (GRCh38, chr14:74,535,986, plus strand): 5'-CTTGGCAGTGAGTGAGGTTCAGTCTCTTGTACCCCTGAGGACACTCCAGCTGGCCATTCT[C>T]AATCACCGGGGAGGCTGAAGAGTGGAGATACGGACAGGTCTCACTGGACGGCCCCTGGGC-3'
Protein context (NP_000419.1, residues 592-612): CPPRPASPVI[Glu602Lys]NGQLECPQGY

ClinVar aggregate classification (germline): Uncertain significance (1 of 4 stars; one submission).

Conditions:
Incidental Discovery. Identifiers: MedGen C1135954.

gnomAD v4.1: 3 of 1,614,166 alleles (0.00019%); highest among the groups gnomAD compares: South Asian, 0.0011%; no homozygotes.

Submission:

Clinical Genetics Laboratory, Skane University Hospital Lund
Classification: Uncertain significance for Incidental Discovery. Last evaluated: 2025-04-01. Review status: criteria provided, single submitter. Criteria: ACMG Guidelines, 2015. Collection method: clinical testing. Allele origin: germline. Affected: yes.
Comment: ACMG criteria used: PM2, BP4